The following is an entry in ClinVar:

NM_017999.5(RNF31):c.1057C>T (p.Arg353Trp)

Gene: RNF31 (ring finger protein 31; plus strand). Cytogenetic location: 14q12.
Variant type: single nucleotide variant.
Coding change: c.1057C>T on transcript NM_017999.5 (MANE Select); coding-DNA position 1057, C replaced by T.
Protein change: p.Arg353Trp; replaces arginine 353 with tryptophan.
Molecular consequence: missense variant.
Genome position (GRCh38, 1-based): chr14:24,150,308, C>T. VCF-style: chr14-24150308-C-T. GRCh37 (hg19) VCF-style: chr14-24619517-C-T.
Other names: c.1057C>T (NM_017999.4); c.604C>T, p.Arg202Trp (NM_001310332.2); short protein forms R202W, R353W.
Identifiers: ClinVar variation 1411812 (VCV001411812.10), dbSNP rs762112517, ClinGen allele CA7125689.

ClinVar aggregate classification (germline): Uncertain significance. Review status: criteria provided, multiple submitters, no conflicts (2 of 4 stars). 2 submissions from 2 submitters: Uncertain significance (2). Last evaluated 2025-09-29.

Allele frequency attached by ClinVar (database versions not stated): ExAC 0.00001; gnomAD exomes 0.00003 and 0.00004; gnomAD 0.00005 and 0.00006; TOPMed 0.00006.
gnomAD v4.1: 49 of 1,614,078 alleles (0.003%); highest among the groups gnomAD compares: Admixed American, 0.022%; no homozygotes.

Submissions (2):

Labcorp Genetics (formerly Invitae), Labcorp
Classification: Uncertain significance. Last evaluated: 2025-09-29. Review status: criteria provided, single submitter. Criteria: Invitae Variant Classification Sherloc (09022015). Collection method: clinical testing. Allele origin: germline.
Comment: This sequence change replaces arginine, which is basic and polar, with tryptophan, which is neutral and slightly polar, at codon 353 of the RNF31 protein (p.Arg353Trp). This variant is present in population databases (rs762112517, gnomAD 0.02%). This variant has not been reported in the literature in individuals affected with RNF31-related conditions. ClinVar contains an entry for this variant (Variation ID: 1411812). An algorithm developed to predict the effect of missense changes on protein structure and function (PolyPhen-2) suggests that this variant is likely to be tolerated. In summary, the available evidence is currently insufficient to determine the role of this variant in disease. Therefore, it has been classified as a Variant of Uncertain Significance.

Ambry Genetics
Classification: Uncertain significance. Last evaluated: 2025-04-20. Review status: criteria provided, single submitter. Criteria: Ambry Variant Classification Scheme 2023. Collection method: clinical testing. Allele origin: germline.